The following continues an entry in ClinVar:

NM_003000.3(SDHB):c.649C>T (p.Arg217Cys)

Gene: SDHB. ClinVar aggregate classification (germline): Pathogenic/Likely pathogenic. Pathogenic (2); Likely pathogenic (11).

Submissions 12 to 15 of 15:

CeGaT Center for Human Genetics Tuebingen
Classification: Likely pathogenic. Last evaluated: 2021-11-01. Review status: criteria provided, single submitter. Criteria: CeGaT Center For Human Genetics Tuebingen Variant Classification Criteria Version 2. Collection method: clinical testing. Allele origin: germline. Affected: yes. Observed: 1 variant allele.

Biesecker Lab/Clinical Genomics Section, National Institutes of Health
Classification: Likely pathogenic for Pheochromocytoma/paraganglioma syndrome 4. Last evaluated: 2017-12-13. Review status: criteria provided, single submitter. Criteria: ACMG Guidelines, 2015. Collection method: curation. Allele origin: germline. Study: CSER_ClinSeq.

Diagnostic Laboratory, Department of Genetics, University Medical Center Groningen
Classification: Pathogenic. Review status: no assertion criteria provided. Collection method: clinical testing. Allele origin: germline. Affected: yes. Study: VKGL Data-share Consensus. Not counted in ClinVar's aggregate classification.

Joint Genome Diagnostic Labs from Nijmegen and Maastricht, Radboudumc and MUMC+
Classification: Pathogenic. Review status: no assertion criteria provided. Collection method: clinical testing. Allele origin: germline. Affected: yes. Study: VKGL Data-share Consensus. Not counted in ClinVar's aggregate classification.

Literature cited by the submitters: PubMed 31212687 (cited by 3 submitters); PubMed 32462735 (cited by Myriad Genetics, Inc. and Color Diagnostics, LLC DBA Color Health); PubMed 33748650 (cited by 3 submitters); PubMed 31216007 (cited by Myriad Genetics, Inc. and Color Diagnostics, LLC DBA Color Health); PubMed 19351833 (cited by 4 submitters); PubMed 41252211 (cited by Myriad Genetics, Inc.); PubMed 18753105 (cited by Labcorp Genetics (formerly Invitae), Labcorp and Color Diagnostics, LLC DBA Color Health); PubMed 19454582 (cited by 3 submitters); PubMed 19802898 (cited by 3 submitters); PubMed 23735539 (cited by Labcorp Genetics (formerly Invitae), Labcorp and Color Diagnostics, LLC DBA Color Health); PubMed 24659481 (cited by 4 submitters); PubMed 25047027 (cited by Labcorp Genetics (formerly Invitae), Labcorp); PubMed 26960314 (cited by 3 submitters); PubMed 18382370 (cited by Color Diagnostics, LLC DBA Color Health); PubMed 21561462 (cited by Color Diagnostics, LLC DBA Color Health); PubMed 27573198 (cited by Color Diagnostics, LLC DBA Color Health); PubMed 29386252 (cited by 3 submitters); PubMed 29951630 (cited by 3 submitters); PubMed 30050099 (cited by Color Diagnostics, LLC DBA Color Health and Ambry Genetics); PubMed 30201732 (cited by Color Diagnostics, LLC DBA Color Health); PubMed 34118692 (cited by Color Diagnostics, LLC DBA Color Health and All of Us Research Program, National Institutes of Health); PubMed 34439168 (cited by Color Diagnostics, LLC DBA Color Health and Center for Genomic Medicine, Rigshospitalet, Copenhagen University Hospital); PubMed 34439371 (cited by 3 submitters); PubMed 31492822 (cited by Center for Genomic Medicine, Rigshospitalet, Copenhagen University Hospital); PubMed 19522823 (cited by Ambry Genetics); PubMed 28490599 (cited by Ambry Genetics); PubMed 16080530 (cited by All of Us Research Program, National Institutes of Health); PubMed 30658386 (cited by All of Us Research Program, National Institutes of Health).